The following is an entry in ClinVar:

NM_007212.4(RNF2):c.401A>G (p.His134Arg)

Gene: RNF2 (ring finger protein 2; plus strand). Cytogenetic location: 1q25.3.
Variant type: single nucleotide variant.
Coding change: c.401A>G on transcript NM_007212.4 (MANE Select); coding-DNA position 401, A replaced by G.
Protein change: p.His134Arg; replaces histidine 134 with arginine.
Molecular consequence: missense variant.
Genome position (GRCh38, 1-based): chr1:185,093,213, A>G. VCF-style: chr1-185093213-A-G. GRCh37 (hg19) VCF-style: chr1-185062345-A-G.
Other names: short protein forms H134R.
Identifiers: ClinVar variation 4881757 (VCV004881757.2).
Genomic context (GRCh38, chr1:185,093,213, plus strand): 5'-ATCCAAGTCGTGATGAGTATGAAGCTCATCAAGAGAGAGTATTAGCCAGGATCAACAAGC[A>G]CAATAATCAGCAAGCACTCAGTCACAGCATTGAGGAAGGACTGAAGATACAGGCCATGAA-3'
Protein context (NP_009143.1, residues 124-144): QERVLARINK[His134Arg]NNQQALSHSI

ClinVar aggregate classification (germline): Uncertain significance (1 of 4 stars; one submission).

gnomAD v4.1: 1 of 1,614,122 alleles (0.000062%); highest among the groups gnomAD compares: Non-Finnish European, 0.000085%; no homozygotes.

Submission:

Dasa
Classification: Uncertain significance. Last evaluated: 2025-10-29. Review status: criteria provided, single submitter. Criteria: DASA Assertion Criteria. Collection method: clinical testing. Allele origin: germline.
Comment: NM_007212.4(RNF2):c.401A>G (p.His134Arg) is a missense variant that results in the substitution of histidine with arginine. This variant is rare in population databases. Computational prediction algorithms are consistent with a benign effect. The currently available literature and clinical evidence are not sufficient to establish a definitive association between this variant and the reported condition. Therefore, this variant is classified as a variant of uncertain significance.